The following is an entry in ClinVar:

NM_000489.6(ATRX):c.7229T>G (p.Met2410Arg)

Gene: ATRX (ATRX chromatin remodeler; minus strand). Cytogenetic location: Xq21.1.
Variant type: single nucleotide variant.
Coding change: c.7229T>G on transcript NM_000489.6 (MANE Select); coding-DNA position 7229, T replaced by G.
Protein change: p.Met2410Arg; replaces methionine 2410 with arginine.
Molecular consequence: missense variant.
Genome position (GRCh38, 1-based): chrX:77,508,601, A>C on the plus strand (T>G on the coding strand, the complement: ATRX is on the minus strand). VCF-style: chrX-77508601-A-C. GRCh37 (hg19) VCF-style: chrX-76764079-A-C.
Other names: c.7115T>G, p.Met2372Arg (NM_138270.5); short protein forms M2372R, M2410R.
Identifiers: ClinVar variation 1319006 (VCV001319006.2), dbSNP rs782388992, ClinGen allele CA413705209.

ClinVar aggregate classification (germline): Uncertain significance (1 of 4 stars; one submission).

Submission:

GeneDx
Classification: Uncertain significance. Last evaluated: 2020-01-29. Review status: criteria provided, single submitter. Criteria: GeneDx Variant Classification Process June 2021. Collection method: clinical testing. Allele origin: germline. Affected: yes.
Comment: Not observed in large population cohorts (Lek et al., 2016); In silico analysis, which includes protein predictors and evolutionary conservation, supports that this variant does not alter protein structure/function; Has not been previously published as pathogenic or benign to our knowledge